The following is an entry in ClinVar:

ClinVar aggregate classification (germline): Uncertain significance (1 of 4 stars; one submission).

Conditions:
Hereditary cancer-predisposing syndrome. Also called: Neoplastic Syndromes, Hereditary; Tumor predisposition; Hereditary Cancer Syndrome; Hereditary neoplastic syndrome. Identifiers: Orphanet 140162, MedGen C0027672, MeSH D009386, MONDO:0015356.

gnomAD v4.1: 2 of 1,614,136 alleles (0.00012%); highest among the groups gnomAD compares: Non-Finnish European, 0.00017%; no homozygotes.

Submission:

Ambry Genetics
Classification: Uncertain significance for Hereditary cancer-predisposing syndrome. Last evaluated: 2025-03-11. Review status: criteria provided, single submitter. Criteria: Ambry Variant Classification Scheme 2023. Collection method: clinical testing. Allele origin: germline.
Comment: The p.M228I variant (also known as c.684G>A), located in coding exon 3 of the MEN1 gene, results from a G to A substitution at nucleotide position 684. The methionine at codon 228 is replaced by isoleucine, an amino acid with highly similar properties. This amino acid position is well conserved in available vertebrate species. In addition, the in silico prediction for this alteration is inconclusive. Based on the available evidence, the clinical significance of this variant remains unclear.

NM_001370259.2(MEN1):c.684G>A (p.Met228Ile)

Gene: MEN1 (menin 1; minus strand). Cytogenetic location: 11q13.1.
Variant type: single nucleotide variant.
Coding change: c.684G>A on transcript NM_001370259.2 (MANE Select); coding-DNA position 684, G replaced by A.
Protein change: p.Met228Ile; replaces methionine 228 with isoleucine.
Molecular consequence: missense variant.
Genome position (GRCh38, 1-based): chr11:64,807,651, C>T on the plus strand (G>A on the coding strand, the complement: MEN1 is on the minus strand). VCF-style: chr11-64807651-C-T. GRCh37 (hg19) VCF-style: chr11-64575123-C-T.
Other names: c.699G>A, p.Met233Ile (NM_000244.4, NM_001407145.1, NM_001407150.1 and 5 more transcripts); c.684G>A, p.Met228Ile (NM_001370251.2, NM_001370260.2, NM_001370261.2 and 7 more transcripts); c.579G>A, p.Met193Ile (NM_001370262.2, NM_001370263.2, NM_001407148.1 and 2 more transcripts); short protein forms M233I, M193I, M228I.
Identifiers: ClinVar variation 1755784 (VCV001755784.3), dbSNP rs1213933028, ClinGen allele CA381184670.